The following is an entry in ClinVar:

ClinVar aggregate classification (germline): Likely benign (1 of 4 stars; one submission).

Submission:

Women's Health and Genetics/Laboratory Corporation of America, LabCorp
Classification: Likely benign. Last evaluated: 2023-11-09. Review status: criteria provided, single submitter. Criteria: LabCorp Variant Classification Summary - May 2015. Collection method: clinical testing. Allele origin: germline.
Comment: Variant summary: DYNC1H1 c.11475C>T alters a conserved nucleotide resulting in a synonymous change. Consensus agreement among computation tools predict no significant impact on normal splicing. However, these predictions have yet to be confirmed by functional studies. The variant was absent in 251470 control chromosomes. The available data on variant occurrences in the general population are insufficient to allow any conclusion about variant significance. To our knowledge, no occurrence of c.11475C>T in individuals affected with DYNC1H1-Related Disorders and no experimental evidence demonstrating its impact on protein function have been reported. No submitters have cited clinical-significance assessments for this variant to ClinVar after 2014. Based on the evidence outlined above, the variant was classified as likely benign.

NM_001376.5(DYNC1H1):c.11475C>T (p.Tyr3825=)

Gene: DYNC1H1 (dynein cytoplasmic 1 heavy chain 1; plus strand). Cytogenetic location: 14q32.31.
Variant type: single nucleotide variant.
Coding change: c.11475C>T on transcript NM_001376.5 (MANE Select); coding-DNA position 11475, C replaced by T.
Protein change: p.Tyr3825=; no amino-acid change (tyrosine 3825 retained).
Molecular consequence: synonymous variant.
Genome position (GRCh38, 1-based): chr14:102,039,426, C>T. VCF-style: chr14-102039426-C-T. GRCh37 (hg19) VCF-style: chr14-102505763-C-T.
Identifiers: ClinVar variation 2682422 (VCV002682422.1), dbSNP rs2503846059, ClinGen allele CA488186117.